The following is an entry in ClinVar:

NM_001206927.2(DNAH8):c.8159A>T (p.Asp2720Val)

Gene: DNAH8 (dynein axonemal heavy chain 8; plus strand). Cytogenetic location: 6p21.2.
Variant type: single nucleotide variant.
Coding change: c.8159A>T on transcript NM_001206927.2 (MANE Select); coding-DNA position 8159, A replaced by T.
Protein change: p.Asp2720Val; replaces aspartic acid 2720 with valine.
Molecular consequence: missense variant.
Genome position (GRCh38, 1-based): chr6:38,883,898, A>T. VCF-style: chr6-38883898-A-T. GRCh37 (hg19) VCF-style: chr6-38851674-A-T.
Other names: c.7508A>T, p.Asp2503Val (NM_001371.4); short protein forms D2503V, D2720V.
Identifiers: ClinVar variation 3338209 (VCV003338209.2).

ClinVar aggregate classification (germline): Uncertain significance (0 of 4 stars; one submission).

Conditions:
Autism (AUTS). Also called: Autistic disorder of childhood onset; Autistic disorder. Identifiers: MedGen C0004352, MeSH D001321, MONDO:0005260, OMIM 209850, HP:0000717.

gnomAD v4.1: 5 of 1,588,384 alleles (0.00031%); highest among the groups gnomAD compares: South Asian, 0.0058%; no homozygotes.

Submission:

Centre for Addiction & Mental Health
Classification: Uncertain significance for Autism. Review status: no assertion criteria provided. Collection method: research. Allele origin: biparental. Affected: yes. Observed: 1 homozygote. Segregation with disease observed.
Comment: Gene not previously associated with disease; independent supportng evidence needed